The following is an entry in ClinVar:

NM_006517.5(SLC16A2):c.550G>A (p.Gly184Ser)

Gene: SLC16A2 (solute carrier family 16 member 2; plus strand). Cytogenetic location: Xq13.2.
Variant type: single nucleotide variant.
Coding change: c.550G>A on transcript NM_006517.5 (MANE Select); coding-DNA position 550, G replaced by A.
Protein change: p.Gly184Ser; replaces glycine 184 with serine.
Molecular consequence: missense variant.
Genome position (GRCh38, 1-based): chrX:74,521,109, G>A. VCF-style: chrX-74521109-G-A. GRCh37 (hg19) VCF-style: chrX-73740944-G-A.
Other names: short protein forms G184S.
Identifiers: ClinVar variation 4278711 (VCV004278711.1).

ClinVar aggregate classification (germline): Uncertain significance (1 of 4 stars; one submission).

Submission:

GeneDx
Classification: Uncertain significance. Last evaluated: 2025-04-01. Review status: criteria provided, single submitter. Criteria: GeneDx Variant Classification Process June 2021. Collection method: clinical testing. Allele origin: germline. Affected: yes.
Comment: Not observed at significant frequency in large population cohorts (gnomAD); In silico analysis supports that this missense variant has a deleterious effect on protein structure/function; Has not been previously published as pathogenic or benign to our knowledge